The following is an entry in ClinVar:

ClinVar aggregate classification (germline): Uncertain significance. Review status: criteria provided, multiple submitters, no conflicts (2 of 4 stars). 2 submissions from 2 submitters: Uncertain significance (2). Last evaluated 2025-08-01.

Conditions:
Hereditary cancer-predisposing syndrome. Also called: Hereditary neoplastic syndrome; Neoplastic Syndromes, Hereditary; Tumor predisposition; Hereditary Cancer Syndrome. Identifiers: Orphanet 140162, MedGen C0027672, MeSH D009386, MONDO:0015356.
Neuroblastoma, susceptibility to, 3. Also called: ALK-Related Neuroblastic Tumor Susceptibility. Identifiers: Orphanet 635, MedGen C2751681, MONDO:0013083, OMIM 613014.

Allele frequency attached by ClinVar (database versions not stated): gnomAD exomes 0.00001; TOPMed 0.00001; gnomAD 0.00002.
gnomAD v4.1: 15 of 1,612,008 alleles (0.00093%); highest among the groups gnomAD compares: African/African-American, 0.0067%; no homozygotes.

Submissions (2):

Ambry Genetics
Classification: Uncertain significance for Hereditary cancer-predisposing syndrome. Last evaluated: 2025-08-01. Review status: criteria provided, single submitter. Criteria: Ambry Variant Classification Scheme 2023. Collection method: clinical testing. Allele origin: germline.
Comment: The p.R1360Q variant (also known as c.4079G>A), located in coding exon 28 of the ALK gene, results from a G to A substitution at nucleotide position 4079. The arginine at codon 1360 is replaced by glutamine, an amino acid with highly similar properties. This amino acid position is highly conserved in available vertebrate species. In addition, this alteration is predicted to be deleterious by in silico analysis. Since supporting evidence is limited at this time, the clinical significance of this alteration remains unclear.

Labcorp Genetics (formerly Invitae), Labcorp
Classification: Uncertain significance for Neuroblastoma, susceptibility to, 3. Last evaluated: 2024-01-18. Review status: criteria provided, single submitter. Criteria: Invitae Variant Classification Sherloc (09022015). Collection method: clinical testing. Allele origin: germline.
Comment: This sequence change replaces arginine, which is basic and polar, with glutamine, which is neutral and polar, at codon 1360 of the ALK protein (p.Arg1360Gln). This variant is present in population databases (no rsID available, gnomAD 0.004%). This variant has not been reported in the literature in individuals affected with ALK-related conditions. ClinVar contains an entry for this variant (Variation ID: 485084). An algorithm developed to predict the effect of missense changes on protein structure and function (PolyPhen-2) suggests that this variant is likely to be disruptive. In summary, the available evidence is currently insufficient to determine the role of this variant in disease. Therefore, it has been classified as a Variant of Uncertain Significance.

NM_004304.5(ALK):c.4079G>A (p.Arg1360Gln)

Gene: ALK (ALK receptor tyrosine kinase; minus strand). Cytogenetic location: 2p23.2.
Variant type: single nucleotide variant.
Coding change: c.4079G>A on transcript NM_004304.5 (MANE Select); coding-DNA position 4079, G replaced by A.
Protein change: p.Arg1360Gln; replaces arginine 1360 with glutamine.
Molecular consequence: missense variant.
Genome position (GRCh38, 1-based): chr2:29,196,855, C>T on the plus strand (G>A on the coding strand, the complement: ALK is on the minus strand). VCF-style: chr2-29196855-C-T. GRCh37 (hg19) VCF-style: chr2-29419721-C-T.
Other names: c.875G>A, p.Arg292Gln (NM_001353765.2); short protein forms R1360Q, R292Q.
Identifiers: ClinVar variation 485084 (VCV000485084.13), dbSNP rs1215186876, ClinGen allele CA346465568.